The following is an entry in ClinVar:

ClinVar aggregate classification (germline): Uncertain significance. Review status: criteria provided, multiple submitters, no conflicts (2 of 4 stars). 2 submissions from 2 submitters: Uncertain significance (2). Last evaluated 2025-11-18.

Conditions:
Inborn genetic diseases. Identifiers: MedGen C0950123, MeSH D030342.
Mosaic variegated aneuploidy syndrome 1 (MVA1). Also called: Warburton-Anyane-Yeboa syndrome. Identifiers: Orphanet 1052, MedGen C1850343, MONDO:0009759, OMIM 257300.

Allele frequency attached by ClinVar (database versions not stated): gnomAD exomes below 0.00001.
gnomAD v4.1: 1 of 1,614,104 alleles (0.000062%); highest among the groups gnomAD compares: Non-Finnish European, 0.000085%; no homozygotes.

Submissions (2):

Ambry Genetics
Classification: Uncertain significance for Inborn genetic diseases. Last evaluated: 2025-11-18. Review status: criteria provided, single submitter. Criteria: Ambry Variant Classification Scheme 2023. Collection method: clinical testing. Allele origin: germline.
Comment: The p.E184K variant (also known as c.550G>A), located in coding exon 5 of the BUB1B gene, results from a G to A substitution at nucleotide position 550. The glutamic acid at codon 184 is replaced by lysine, an amino acid with similar properties. This amino acid position is conserved. In addition, this alteration is predicted to be tolerated by in silico analysis. Based on the available evidence, the clinical significance of this variant remains unclear.

Labcorp Genetics (formerly Invitae), Labcorp
Classification: Uncertain significance for Mosaic variegated aneuploidy syndrome 1. Last evaluated: 2018-02-12. Review status: criteria provided, single submitter. Criteria: Invitae Variant Classification Sherloc (09022015). Collection method: clinical testing. Allele origin: germline.
Comment: In summary, the available evidence is currently insufficient to determine the role of this variant in disease. Therefore, it has been classified as a Variant of Uncertain Significance. Algorithms developed to predict the effect of missense changes on protein structure and function (SIFT, PolyPhen-2, Align-GVGD) all suggest that this variant is likely to be tolerated, but these predictions have not been confirmed by published functional studies and their clinical significance is uncertain. This variant has not been reported in the literature in individuals with BUB1B-related disease. This variant is not present in population databases (ExAC no frequency). This sequence change replaces glutamic acid with lysine at codon 184 of the BUB1B protein (p.Glu184Lys). The glutamic acid residue is highly conserved and there is a small physicochemical difference between glutamic acid and lysine.

NM_001211.6(BUB1B):c.550G>A (p.Glu184Lys)

Gene: BUB1B (BUB1 mitotic checkpoint serine/threonine kinase B; plus strand). Cytogenetic location: 15q15.1.
Variant type: single nucleotide variant.
Coding change: c.550G>A on transcript NM_001211.6 (MANE Select); coding-DNA position 550, G replaced by A.
Protein change: p.Glu184Lys; replaces glutamic acid 184 with lysine.
Molecular consequence: missense variant.
Genome position (GRCh38, 1-based): chr15:40,176,642, G>A. VCF-style: chr15-40176642-G-A. GRCh37 (hg19) VCF-style: chr15-40468843-G-A.
Other names: short protein forms E184K.
Identifiers: ClinVar variation 572147 (VCV000572147.11), dbSNP rs145028054, ClinGen allele CA391681463.
Genomic context (GRCh38, chr15:40,176,642, plus strand): 5'-GCTAGAGAAAACTTTAGGAAAGCAGATGCGATATTTCAGGAAGGGATTCAACAGAAGGCT[G>A]AACCACTAGAAAGACTACAGTCCCAGCACCGGTAAACTTTCTTTGGAGCTTGTCTTAACT-3'
Protein context (NP_001202.5, residues 174-194): IFQEGIQQKA[Glu184Lys]PLERLQSQHR